The following is an entry in ClinVar:

ClinVar aggregate classification (germline): Uncertain significance. Review status: criteria provided, multiple submitters, no conflicts (2 of 4 stars). 3 submissions from 3 submitters: Uncertain significance (3). Last evaluated 2024-09-29.

Conditions:
Cardiovascular phenotype. Identifiers: MedGen CN230736.
RASopathy. Also called: rasopathies; Noonan spectrum disorder. Identifiers: Orphanet 536391, MedGen C5555857, MONDO:0021060.

Allele frequency attached by ClinVar (database versions not stated): TOPMed below 0.00001; ExAC 0.00001; gnomAD exomes 0.00001.
gnomAD v4.1: 8 of 1,613,986 alleles (0.0005%); highest among the groups gnomAD compares: African/African-American, 0.0027%; no homozygotes.

Submissions (3):

Labcorp Genetics (formerly Invitae), Labcorp
Classification: Uncertain significance for RASopathy. Last evaluated: 2024-09-29. Review status: criteria provided, single submitter. Criteria: Invitae Variant Classification Sherloc (09022015). Collection method: clinical testing. Allele origin: germline.
Comment: This sequence change replaces threonine, which is neutral and polar, with isoleucine, which is neutral and non-polar, at codon 811 of the CBL protein (p.Thr811Ile). This variant is present in population databases (rs749068285, gnomAD 0.007%). This variant has not been reported in the literature in individuals affected with CBL-related conditions. ClinVar contains an entry for this variant (Variation ID: 1304422). An algorithm developed to predict the effect of missense changes on protein structure and function (PolyPhen-2) suggests that this variant is likely to be tolerated. In summary, the available evidence is currently insufficient to determine the role of this variant in disease. Therefore, it has been classified as a Variant of Uncertain Significance.

Ambry Genetics
Classification: Uncertain significance for Cardiovascular phenotype. Last evaluated: 2022-03-22. Review status: criteria provided, single submitter. Criteria: Ambry Variant Classification Scheme 2023. Collection method: clinical testing. Allele origin: germline.
Comment: The p.T811I variant (also known as c.2432C>T), located in coding exon 15 of the CBL gene, results from a C to T substitution at nucleotide position 2432. The threonine at codon 811 is replaced by isoleucine, an amino acid with similar properties. This amino acid position is conserved. In addition, this alteration is predicted to be tolerated by in silico analysis. Since supporting evidence is limited at this time, the clinical significance of this alteration remains unclear.

GeneDx
Classification: Uncertain significance. Last evaluated: 2018-12-05. Review status: criteria provided, single submitter. Criteria: GeneDx Variant Classification Process June 2021. Collection method: clinical testing. Allele origin: germline. Affected: yes.
Comment: In silico analysis, which includes protein predictors and evolutionary conservation, supports that this variant does not alter protein structure/function; Has not been previously published as pathogenic or benign to our knowledge

NM_005188.4(CBL):c.2432C>T (p.Thr811Ile)

Gene: CBL (Cbl proto-oncogene; plus strand). Cytogenetic location: 11q23.3.
Variant type: single nucleotide variant.
Coding change: c.2432C>T on transcript NM_005188.4 (MANE Select); coding-DNA position 2432, C replaced by T.
Protein change: p.Thr811Ile; replaces threonine 811 with isoleucine.
Molecular consequence: missense variant.
Genome position (GRCh38, 1-based): chr11:119,298,538, C>T. VCF-style: chr11-119298538-C-T. GRCh37 (hg19) VCF-style: chr11-119169248-C-T.
Other names: short protein forms T811I.
Identifiers: ClinVar variation 1304422 (VCV001304422.8), dbSNP rs749068285, ClinGen allele CA6318774.